The following is an entry in ClinVar:

NM_001042492.3(NF1):c.6428-2A>C

Gene: NF1 (neurofibromin 1; plus strand). Cytogenetic location: 17q11.2.
Variant type: single nucleotide variant.
Coding change: c.6428-2A>C on transcript NM_001042492.3 (MANE Select); the canonical splice acceptor site of the intron before coding-DNA position 6428, A replaced by C.
Molecular consequence: splice acceptor variant.
Genome position (GRCh38, 1-based): chr17:31,337,366, A>C. VCF-style: chr17-31337366-A-C. GRCh37 (hg19) VCF-style: chr17-29664384-A-C.
Other names: c.6365-2A>C (NM_000267.4).
Identifiers: ClinVar variation 431671 (VCV000431671.9), dbSNP rs1060500312, ClinGen allele CA399012980.

ClinVar aggregate classification (germline): Pathogenic. Review status: criteria provided, multiple submitters, no conflicts (2 of 4 stars). 3 submissions from 3 submitters: Pathogenic (2). 1 of the submissions does not count toward it. Last evaluated 2024-06-17.

Conditions:
Neurofibromatosis, type 1 (NF1). Also called: Neurofibromatosis, type I; NEUROFIBROMATOSIS, TYPE I, SOMATIC; Peripheral type neurofibromatosis; VON RECKLINGHAUSEN DISEASE. Identifiers: Orphanet 636, MedGen C0027831, MONDO:0018975, OMIM 162200. Disease mechanism: loss of function.

Submissions (3):

GeneDx
Classification: Pathogenic. Last evaluated: 2024-06-17. Review status: criteria provided, single submitter. Criteria: GeneDx Variant Classification Process June 2021. Collection method: clinical testing. Allele origin: germline. Affected: yes.
Comment: Canonical splice site variant predicted to result in a null allele in a gene for which loss of function is a known mechanism of disease; Not observed at significant frequency in large population cohorts (gnomAD); This variant is associated with the following publications: (PMID: 23913538, 10712197, 28961165)

Labcorp Genetics (formerly Invitae), Labcorp
Classification: Pathogenic for Neurofibromatosis, type 1. Last evaluated: 2024-01-18. Review status: criteria provided, single submitter. Criteria: Invitae Variant Classification Sherloc (09022015). Collection method: clinical testing. Allele origin: germline.
Comment: This sequence change affects an acceptor splice site in intron 41 of the NF1 gene. It is expected to disrupt RNA splicing. Variants that disrupt the donor or acceptor splice site typically lead to a loss of protein function (PMID: 16199547), and loss-of-function variants in NF1 are known to be pathogenic (PMID: 10712197, 23913538). This variant is not present in population databases (gnomAD no frequency). Disruption of this splice site has been observed in individual(s) with neurofibromatosis type I (PMID: 28961165). In at least one individual the variant was observed to be de novo. ClinVar contains an entry for this variant (Variation ID: 431671). Algorithms developed to predict the effect of sequence changes on RNA splicing suggest that this variant may disrupt the consensus splice site. For these reasons, this variant has been classified as Pathogenic.

Medical Genetics, University of Parma
Classification: Likely pathogenic for Neurofibromatosis type 1. Last evaluated: 2017-02-02. Review status: no assertion criteria provided. Collection method: clinical testing. Allele origin: germline. Affected: yes. Not counted in ClinVar's aggregate classification.

Literature cited by the submitters: PubMed 16199547 (cited by Labcorp Genetics (formerly Invitae), Labcorp); PubMed 10712197 (cited by Labcorp Genetics (formerly Invitae), Labcorp); PubMed 23913538 (cited by Labcorp Genetics (formerly Invitae), Labcorp); PubMed 28961165 (cited by Labcorp Genetics (formerly Invitae), Labcorp).